The following is an entry in ClinVar:

ClinVar aggregate classification (germline): Likely pathogenic (1 of 4 stars; one submission).

Submission:

GeneDx
Classification: Likely pathogenic. Last evaluated: 2022-06-10. Review status: criteria provided, single submitter. Criteria: GeneDx Variant Classification Process June 2021. Collection method: clinical testing. Allele origin: germline. Affected: yes.
Comment: Not observed at significant frequency in large population cohorts (gnomAD); In silico analysis supports that this missense variant has a deleterious effect on protein structure/function; Has not been previously published as pathogenic or benign to our knowledge

NM_003011.4(SET):c.263A>G (p.Asn88Ser)

Gene: SET (SET nuclear proto-oncogene; plus strand). Cytogenetic location: 9q34.11.
Variant type: single nucleotide variant.
Coding change: c.263A>G on transcript NM_003011.4 (MANE Select); coding-DNA position 263, A replaced by G.
Protein change: p.Asn88Ser; replaces asparagine 88 with serine.
Molecular consequence: missense variant.
Genome position (GRCh38, 1-based): chr9:128,691,989, A>G. VCF-style: chr9-128691989-A-G. GRCh37 (hg19) VCF-style: chr9-131454268-A-G.
Other names: c.302A>G, p.Asn101Ser (NM_001122821.2, NM_001374326.1); c.236A>G, p.Asn79Ser (NM_001248000.2); c.230A>G, p.Asn77Ser (NM_001248001.2); short protein forms N101S, N77S, N79S, N88S.
Identifiers: ClinVar variation 1691608 (VCV001691608.3), dbSNP rs2132251312, ClinGen allele CA375059496.